The following is an entry in ClinVar:

ClinVar aggregate classification (germline): Conflicting classifications of pathogenicity. Review status: criteria provided, conflicting classifications (1 of 4 stars). 2 submissions from 2 submitters: Likely pathogenic (1); Uncertain significance (1). Last evaluated 2021-04-01.

Conditions:
Retinitis pigmentosa (RP). Identifiers: Orphanet 791, MedGen C0035334, MeSH D012174, MONDO:0019200, OMIM 268000. Inheritance: Autosomal dominant, autosomal recessive and X linked inheritance.
PRPF8-related disorder. Also called: PRPF8-related condition.

Submissions (2):

Broad Center for Mendelian Genomics, Broad Institute of MIT and Harvard
Classification: Uncertain significance for Retinitis pigmentosa. Last evaluated: 2021-04-01. Review status: criteria provided, single submitter. Criteria: ACMG Guidelines, 2015. Collection method: curation. Allele origin: germline. Inheritance: Autosomal dominant inheritance. Affected: yes.
Comment: Through a review of available evidence we were able to apply the following criteria: PM2, PP3. Based on this evidence we have classified this variant as a Variant of Uncertain Significance. If you have any questions about the classification please reach out to the Pierce Lab.

Blueprint Genetics
Classification: Likely pathogenic for PRPF8-related disorders. Last evaluated: 2018-08-17. Review status: criteria provided, single submitter. Criteria: ACMG Guidelines, 2015. Collection method: clinical testing. Allele origin: germline. Affected: yes. Observed: 1 variant allele.

Literature cited by the submitters: PubMed 34906470 (cited by Broad Center for Mendelian Genomics, Broad Institute of MIT and Harvard).

NM_006445.4(PRPF8):c.6925C>G (p.His2309Asp)

Gene: PRPF8 (pre-mRNA processing factor 8; minus strand). Cytogenetic location: 17p13.3.
Variant type: single nucleotide variant.
Coding change: c.6925C>G on transcript NM_006445.4 (MANE Select); coding-DNA position 6925, C replaced by G.
Protein change: p.His2309Asp; replaces histidine 2309 with aspartic acid.
Molecular consequence: missense variant.
Genome position (GRCh38, 1-based): chr17:1,650,885, G>C on the plus strand (C>G on the coding strand, the complement: PRPF8 is on the minus strand). VCF-style: chr17-1650885-G-C. GRCh37 (hg19) VCF-style: chr17-1554179-G-C.
Other names: short protein forms H2309D.
Identifiers: ClinVar variation 1297107 (VCV001297107.3), dbSNP rs2151108985, ClinGen allele CA397562049.